The following is an entry in ClinVar:

NM_152594.3(SPRED1):c.377-10A>G

Gene: SPRED1 (sprouty related EVH1 domain containing 1; plus strand). Cytogenetic location: 15q14.
Variant type: single nucleotide variant.
Coding change: c.377-10A>G on transcript NM_152594.3 (MANE Select); 10 bases into the intron before coding-DNA position 377, A replaced by G.
Molecular consequence: intron variant.
Genome position (GRCh38, 1-based): chr15:38,324,753, A>G. VCF-style: chr15-38324753-A-G. GRCh37 (hg19) VCF-style: chr15-38616954-A-G.
Identifiers: ClinVar variation 47968 (VCV000047968.18), dbSNP rs376134678, ClinGen allele CA142278.

ClinVar aggregate classification (germline): Benign/Likely benign. Review status: criteria provided, multiple submitters, no conflicts (2 of 4 stars). 5 submissions from 5 submitters: Benign (1); Likely benign (4). Last evaluated 2026-01-13.

Conditions:
Legius syndrome. Identifiers: Orphanet 137605, MedGen C1969623, MONDO:0012669, OMIM 611431. Disease mechanism: loss of function.

Allele frequency attached by ClinVar (database versions not stated): gnomAD exomes 0.00004; ExAC 0.00012; ESP Exome Variant Server 0.00015; gnomAD 0.00023 and 0.00026; TOPMed 0.00029.
gnomAD v4.1: 89 of 1,599,000 alleles (0.0056%); highest among the groups gnomAD compares: African/African-American, 0.094%; no homozygotes.

Submissions (5):

Labcorp Genetics (formerly Invitae), Labcorp
Classification: Likely benign for Legius syndrome. Last evaluated: 2026-01-13. Review status: criteria provided, single submitter. Criteria: Invitae Variant Classification Sherloc (09022015). Collection method: clinical testing. Allele origin: germline.

Blueprint Genetics
Classification: Likely benign. Last evaluated: 2024-01-24. Review status: criteria provided, single submitter. Criteria: ACMG Guidelines, 2015. Collection method: clinical testing. Allele origin: germline.

Women's Health and Genetics/Laboratory Corporation of America, LabCorp
Classification: Benign. Last evaluated: 2023-03-27. Review status: criteria provided, single submitter. Criteria: LabCorp Variant Classification Summary - May 2015. Collection method: clinical testing. Allele origin: germline.

GeneDx
Classification: Likely benign. Last evaluated: 2021-05-21. Review status: criteria provided, single submitter. Criteria: GeneDx Variant Classification Process June 2021. Collection method: clinical testing. Allele origin: germline. Affected: yes.

Laboratory for Molecular Medicine, Mass General Brigham Personalized Medicine
Classification: Likely benign. Last evaluated: 2013-05-23. Review status: criteria provided, single submitter. Criteria: LMM Criteria. Collection method: clinical testing. Allele origin: germline. Observed: 3 variant alleles.
Comment: This variant is located in the 3' sp lice acceptor region but does not affect the invariant -1 and -2 positions. In a ddition, computational tools do not predict altered splicing. This variant has b een identified in 0.05% (2/4392) of African American chromosomes from a large po pulation by the NHLBI Exome Sequencing Project. In addition, the adenine nucleotide is not conserved across evolutionary dis tinct species at position 377-10, and several mammals have a guanine at this pos ition. Therefore, the 377-10A>G variant is likely to be benign.